The following is an entry in ClinVar:

NM_001370959.1(POU6F2):c.607T>A (p.Ser203Thr)

Gene: POU6F2 (POU class 6 homeobox 2; plus strand). Cytogenetic location: 7p14.1.
Variant type: single nucleotide variant.
Coding change: c.607T>A on transcript NM_001370959.1 (MANE Select); coding-DNA position 607, T replaced by A.
Protein change: p.Ser203Thr; replaces serine 203 with threonine.
Molecular consequence: missense variant.
Genome position (GRCh38, 1-based): chr7:39,339,650, T>A. VCF-style: chr7-39339650-T-A. GRCh37 (hg19) VCF-style: chr7-39379249-T-A.
Other names: c.520T>A, p.Ser174Thr (NM_001166018.2, NM_007252.4); short protein forms S174T, S203T.
Identifiers: ClinVar variation 4688069 (VCV004688069.1).
Genomic context (GRCh38, chr7:39,339,650, plus strand): 5'-CAAGACACTTTGTCATGTTATCTCACTCCACATTCGCTTTCTCTCCTTGTAGCTACCTCA[T>A]CCCTGAACTCCCAGCTCCAGCAGCTCCAGCTCCAGCTCCAGCAGCAGCAGCAGCAGCAGC-3'
Protein context (NP_001357888.1, residues 193-213): LPLQNLQATS[Ser203Thr]LNSQLQQLQL

ClinVar aggregate classification (germline): Likely benign (1 of 4 stars; one submission).

Conditions:
Wilms tumor 5. Also called: WILMS TUMOR, SUSCEPTIBILITY TO; Wilms tumor susceptibility-5. Identifiers: Orphanet 654, MedGen C1832099, MONDO:0011112, OMIM 601583.

gnomAD v4.1: 1 of 1,591,236 alleles (0.000063%); highest among the groups gnomAD compares: South Asian, 0.0011%; no homozygotes.

Submission:

Centre for Medical Genetics,  Mumbai
Classification: Likely benign for Wilms tumor 5. Last evaluated: 2026-01-30. Review status: criteria provided, single submitter. Criteria: ACMG Guidelines, 2015. Collection method: provider interpretation. Allele origin: germline. Inheritance: Autosomal dominant inheritance. Affected: no. Observed: 1 heterozygote.
Comment: The variant satisfies PM2 criteria; Extremely low frequency in gnomAD population databases. However, the variant satisfies BS2 criteria; present in heterozygous state in an individual that clinically does not have Wilms tumor susceptibility-5

Literature cited by the submitters: PubMed 11284034.